The following is an entry in ClinVar:

ClinVar aggregate classification (germline): Uncertain significance (1 of 4 stars; one submission).

gnomAD v4.1: 2 of 1,613,864 alleles (0.00012%); highest among the groups gnomAD compares: Admixed American, 0.0033%; no homozygotes.

Submission:

Labcorp Genetics (formerly Invitae), Labcorp
Classification: Uncertain significance. Last evaluated: 2022-03-09. Review status: criteria provided, single submitter. Criteria: Invitae Variant Classification Sherloc (09022015). Collection method: clinical testing. Allele origin: germline.
Comment: In summary, the available evidence is currently insufficient to determine the role of this variant in disease. Therefore, it has been classified as a Variant of Uncertain Significance. Algorithms developed to predict the effect of missense changes on protein structure and function are either unavailable or do not agree on the potential impact of this missense change (SIFT: "Deleterious"; PolyPhen-2: "Benign"; Align-GVGD: "Class C65"). This variant has not been reported in the literature in individuals affected with NBAS-related conditions. This variant is present in population databases (rs147660312, gnomAD 0.006%). This sequence change replaces alanine, which is neutral and non-polar, with serine, which is neutral and polar, at codon 1209 of the NBAS protein (p.Ala1209Ser).

NM_015909.4(NBAS):c.3625G>T (p.Ala1209Ser)

Gene: NBAS (NBAS subunit of NRZ tethering complex; minus strand). Cytogenetic location: 2p24.3.
Variant type: single nucleotide variant.
Coding change: c.3625G>T on transcript NM_015909.4 (MANE Select); coding-DNA position 3625, G replaced by T.
Protein change: p.Ala1209Ser; replaces alanine 1209 with serine.
Molecular consequence: missense variant. On other transcripts: non-coding transcript variant (1).
Genome position (GRCh38, 1-based): chr2:15,374,686, C>A on the plus strand (G>T on the coding strand, the complement: NBAS is on the minus strand). VCF-style: chr2-15374686-C-A. GRCh37 (hg19) VCF-style: chr2-15514810-C-A.
Other names: short protein forms A1209S.
Identifiers: ClinVar variation 1907312 (VCV001907312.3), dbSNP rs147660312, ClinGen allele CA1535969.